The following is an entry in ClinVar:

ClinVar aggregate classification (germline): Uncertain significance (1 of 4 stars; one submission).

Conditions:
MHC class II deficiency. Also called: Bare lymphocyte syndrome 2; BLS, TYPE II. Identifiers: Orphanet 572, MedGen C5447452, MONDO:0008855.

Allele frequency attached by ClinVar (database versions not stated): TOPMed below 0.00001; gnomAD 0.00001.
gnomAD v4.1: 12 of 1,546,460 alleles (0.00078%); highest among the groups gnomAD compares: Non-Finnish European, 0.001%; no homozygotes.

Submission:

Labcorp Genetics (formerly Invitae), Labcorp
Classification: Uncertain significance for MHC class II deficiency. Last evaluated: 2022-06-19. Review status: criteria provided, single submitter. Criteria: Invitae Variant Classification Sherloc (09022015). Collection method: clinical testing. Allele origin: germline.
Comment: In summary, the available evidence is currently insufficient to determine the role of this variant in disease. Therefore, it has been classified as a Variant of Uncertain Significance. Algorithms developed to predict the effect of missense changes on protein structure and function are either unavailable or do not agree on the potential impact of this missense change (SIFT: "Deleterious"; PolyPhen-2: "Probably Damaging"; Align-GVGD: "Class C0"). This variant has not been reported in the literature in individuals affected with RFXAP-related conditions. This variant is not present in population databases (gnomAD no frequency). This sequence change replaces aspartic acid, which is acidic and polar, with alanine, which is neutral and non-polar, at codon 94 of the RFXAP protein (p.Asp94Ala).

NM_000538.4(RFXAP):c.281A>C (p.Asp94Ala)

Gene: RFXAP (regulatory factor X associated protein; plus strand). Cytogenetic location: 13q13.3.
Variant type: single nucleotide variant.
Coding change: c.281A>C on transcript NM_000538.4 (MANE Select); coding-DNA position 281, A replaced by C.
Protein change: p.Asp94Ala; replaces aspartic acid 94 with alanine.
Molecular consequence: missense variant.
Genome position (GRCh38, 1-based): chr13:36,819,638, A>C. VCF-style: chr13-36819638-A-C. GRCh37 (hg19) VCF-style: chr13-37393775-A-C.
Other names: short protein forms D94A.
Identifiers: ClinVar variation 1943639 (VCV001943639.5), dbSNP rs1365865743, ClinGen allele CA387854472.
Genomic context (GRCh38, chr13:36,819,638, plus strand): 5'-TGTGCGAAGGGGCCGGGGATGGCGAAGAGGAGGCTGGGGAGGACGAGGCGGACCTGTTAG[A>C]CACTTCGGACCCTCCGGGGGGAGGCGAGAGCGCGGCTAGTTTGGAGGATCTAGAGGACGA-3'
Protein context (NP_000529.1, residues 84-104): EAGEDEADLL[Asp94Ala]TSDPPGGGES